The following is an entry in ClinVar:

ClinVar aggregate classification (germline): Uncertain significance (1 of 4 stars; one submission).

Submission:

Labcorp Genetics (formerly Invitae), Labcorp
Classification: Uncertain significance. Last evaluated: 2025-03-17. Review status: criteria provided, single submitter. Criteria: Invitae Variant Classification Sherloc (09022015). Collection method: clinical testing. Allele origin: germline.
Comment: This sequence change replaces arginine, which is basic and polar, with glycine, which is neutral and non-polar, at codon 671 of the TOPORS protein (p.Arg671Gly). This variant is present in population databases (no rsID available, gnomAD no frequency). This variant has not been reported in the literature in individuals affected with TOPORS-related conditions. ClinVar contains an entry for this variant (Variation ID: 968844). Experimental studies and prediction algorithms are not available or were not evaluated, and the functional significance of this variant is currently unknown. In summary, the available evidence is currently insufficient to determine the role of this variant in disease. Therefore, it has been classified as a Variant of Uncertain Significance.

NM_005802.5(TOPORS):c.2011A>G (p.Arg671Gly)

Gene: TOPORS (TOP1 binding arginine/serine rich protein, E3 ubiquitin ligase; minus strand). Cytogenetic location: 9p21.1.
Variant type: single nucleotide variant.
Coding change: c.2011A>G on transcript NM_005802.5 (MANE Select); coding-DNA position 2011, A replaced by G.
Protein change: p.Arg671Gly; replaces arginine 671 with glycine.
Molecular consequence: missense variant.
Genome position (GRCh38, 1-based): chr9:32,542,514, T>C on the plus strand (A>G on the coding strand, the complement: TOPORS is on the minus strand). VCF-style: chr9-32542514-T-C. GRCh37 (hg19) VCF-style: chr9-32542512-T-C.
Other names: c.1816A>G, p.Arg606Gly (NM_001195622.2); short protein forms R606G, R671G.
Identifiers: ClinVar variation 968844 (VCV000968844.9), dbSNP rs1248336645, ClinGen allele CA373166779.